The following is an entry in ClinVar:

NM_182919.4(TICAM1):c.926C>T (p.Ala309Val)

Gene: TICAM1 (TIR domain containing adaptor molecule 1; minus strand). Cytogenetic location: 19p13.3.
Variant type: single nucleotide variant.
Coding change: c.926C>T on transcript NM_182919.4 (MANE Select); coding-DNA position 926, C replaced by T.
Protein change: p.Ala309Val; replaces alanine 309 with valine.
Molecular consequence: missense variant.
Genome position (GRCh38, 1-based): chr19:4,817,452, G>A on the plus strand (C>T on the coding strand, the complement: TICAM1 is on the minus strand). VCF-style: chr19-4817452-G-A. GRCh37 (hg19) VCF-style: chr19-4817464-G-A.
Other names: c.926C>T (NM_182919.2); c.884C>T, p.Ala295Val (NM_001385678.1); c.791C>T, p.Ala264Val (NM_001385679.1); c.284C>T, p.Ala95Val (NM_001385680.1); short protein forms A264V, A95V, A295V, A309V.
Identifiers: ClinVar variation 2156379 (VCV002156379.4), dbSNP rs762032500, ClinGen allele CA9105248.

ClinVar aggregate classification (germline): Uncertain significance. Review status: criteria provided, multiple submitters, no conflicts (2 of 4 stars). 2 submissions from 2 submitters: Uncertain significance (2). Last evaluated 2025-05-07.

Conditions:
Encephalopathy, acute, infection-induced (herpes-specific), susceptibility to, 6. Also called: Herpes simplex encephalitis, susceptibility to, 4. Identifiers: Orphanet 1930, MedGen C3553869, MONDO:0013921, OMIM 614850.

Allele frequency attached by ClinVar (database versions not stated): TOPMed 0.00001; gnomAD exomes 0.00002; ExAC 0.00003.
gnomAD v4.1: 13 of 1,614,110 alleles (0.00081%); highest among the groups gnomAD compares: Admixed American, 0.017%; no homozygotes.

Submissions (2):

Ambry Genetics
Classification: Uncertain significance. Last evaluated: 2025-05-07. Review status: criteria provided, single submitter. Criteria: Ambry Variant Classification Scheme 2023. Collection method: clinical testing. Allele origin: germline.

Labcorp Genetics (formerly Invitae), Labcorp
Classification: Uncertain significance for Encephalopathy, acute, infection-induced (herpes-specific), susceptibility to, 6. Last evaluated: 2024-10-22. Review status: criteria provided, single submitter. Criteria: Invitae Variant Classification Sherloc (09022015). Collection method: clinical testing. Allele origin: germline.
Comment: This sequence change replaces alanine, which is neutral and non-polar, with valine, which is neutral and non-polar, at codon 309 of the TICAM1 protein (p.Ala309Val). This variant is present in population databases (rs762032500, gnomAD 0.03%). This variant has not been reported in the literature in individuals affected with TICAM1-related conditions. ClinVar contains an entry for this variant (Variation ID: 2156379). An algorithm developed to predict the effect of missense changes on protein structure and function outputs the following: PolyPhen-2: "Benign". The valine amino acid residue is found in multiple mammalian species, which suggests that this missense change does not adversely affect protein function. In summary, the available evidence is currently insufficient to determine the role of this variant in disease. Therefore, it has been classified as a Variant of Uncertain Significance.